The following is an entry in ClinVar:

ClinVar aggregate classification (germline): Uncertain significance (1 of 4 stars; one submission).

Allele frequency attached by ClinVar (database versions not stated): gnomAD 0.00001; gnomAD exomes 0.00001.
gnomAD v4.1: 5 of 1,608,418 alleles (0.00031%); highest among the groups gnomAD compares: East Asian, 0.011%; no homozygotes.

Submission:

Labcorp Genetics (formerly Invitae), Labcorp
Classification: Uncertain significance. Last evaluated: 2022-07-16. Review status: criteria provided, single submitter. Criteria: Invitae Variant Classification Sherloc (09022015). Collection method: clinical testing. Allele origin: germline.
Comment: In summary, the available evidence is currently insufficient to determine the role of this variant in disease. Therefore, it has been classified as a Variant of Uncertain Significance. Algorithms developed to predict the effect of missense changes on protein structure and function (SIFT, PolyPhen-2, Align-GVGD) all suggest that this variant is likely to be tolerated. This variant has not been reported in the literature in individuals affected with NUP133-related conditions. This variant is not present in population databases (gnomAD no frequency). This sequence change replaces asparagine, which is neutral and polar, with serine, which is neutral and polar, at codon 896 of the NUP133 protein (p.Asn896Ser).

NM_018230.3(NUP133):c.2687A>G (p.Asn896Ser)

Gene: NUP133 (nucleoporin 133; minus strand). Cytogenetic location: 1q42.13.
Variant type: single nucleotide variant.
Coding change: c.2687A>G on transcript NM_018230.3 (MANE Select); coding-DNA position 2687, A replaced by G.
Protein change: p.Asn896Ser; replaces asparagine 896 with serine.
Molecular consequence: missense variant.
Genome position (GRCh38, 1-based): chr1:229,460,768, T>C on the plus strand (A>G on the coding strand, the complement: NUP133 is on the minus strand). VCF-style: chr1-229460768-T-C. GRCh37 (hg19) VCF-style: chr1-229596515-T-C.
Other names: short protein forms N896S.
Identifiers: ClinVar variation 1949978 (VCV001949978.5), dbSNP rs746752161, ClinGen allele CA345150717.